The following is an entry in ClinVar:

ClinVar aggregate classification (germline): Conflicting classifications of pathogenicity. Review status: criteria provided, conflicting classifications (1 of 4 stars). 7 submissions from 7 submitters: Uncertain significance (1); Benign (2); Likely benign (3). 1 of the submissions does not count toward it. Last evaluated 2026-01-21.

Conditions:
PRPF31-related disorder. Also called: PRPF31-related condition.
Retinitis pigmentosa (RP). Identifiers: Orphanet 791, MedGen C0035334, MeSH D012174, MONDO:0019200, OMIM 268000. Inheritance: Autosomal dominant, autosomal recessive and X linked inheritance.
Retinitis pigmentosa 11 (RP11). Identifiers: Orphanet 791, MedGen C1838601, MONDO:0010828, OMIM 600138.

Allele frequency attached by ClinVar (database versions not stated): TOPMed 0.00080; ESP Exome Variant Server 0.00085.
gnomAD v4.1: 1,739 of 1,613,428 alleles (0.11%); highest among the groups gnomAD compares: Non-Finnish European, 0.14%; 2 homozygotes.

Submissions (7):

Labcorp Genetics (formerly Invitae), Labcorp
Classification: Benign. Last evaluated: 2026-01-21. Review status: criteria provided, single submitter. Criteria: Invitae Variant Classification Sherloc (09022015). Collection method: clinical testing. Allele origin: germline.

Blueprint Genetics
Classification: Benign. Last evaluated: 2024-11-18. Review status: criteria provided, single submitter. Criteria: ACMG Guidelines, 2015. Collection method: clinical testing. Allele origin: germline.

PreventionGenetics, part of Exact Sciences
Classification: Likely benign for PRPF31-related condition. Last evaluated: 2024-10-19. Review status: criteria provided, single submitter. Criteria: ACMG Guidelines, 2015. Collection method: clinical testing. Allele origin: germline.
Comment: This variant is classified as likely benign based on ACMG/AMP sequence variant interpretation guidelines (Richards et al. 2015 PMID: 25741868, with internal and published modifications).

Illumina Laboratory Services, Illumina
Classification: Likely benign for Retinitis pigmentosa. Last evaluated: 2018-01-13. Review status: criteria provided, single submitter. Criteria: ICSL Variant Classification Criteria 13 December 2019. Collection method: clinical testing. Allele origin: germline.
Comment: This variant was observed in the ICSL laboratory as part of a predisposition screen in an ostensibly healthy population. It had not been previously curated by ICSL or reported in the Human Gene Mutation Database (HGMD: prior to June 1st, 2018), and was therefore a candidate for classification through an automated scoring system. Utilizing variant allele frequency, disease prevalence and penetrance estimates, and inheritance mode, an automated score was calculated to assess if this variant is too frequent to cause the disease. Based on the score and internal cut-off values, a variant classified as likely benign is not then subjected to further curation. The score for this variant resulted in a classification of likely benign for this disease.

Clinical Genetics DNA and cytogenetics Diagnostics Lab, Erasmus MC, Erasmus Medical Center
Classification: Likely benign for Retinitis pigmentosa 11. Last evaluated: 2015-06-30. Review status: criteria provided, single submitter. Criteria: ACGS Guidelines, 2013. Collection method: clinical testing. Allele origin: germline. Affected: yes. Study: VKGL Data-share Consensus.

Eurofins Ntd Llc (ga)
Classification: Uncertain significance. Last evaluated: 2014-12-03. Review status: criteria provided, single submitter. Criteria: EGL Classification Definitions 2015. Collection method: clinical testing. Allele origin: germline. Observed: 1 variant allele, 1 heterozygote.

Clinical Genetics, Academic Medical Center
Classification: Benign. Review status: no assertion criteria provided. Collection method: clinical testing. Allele origin: germline. Affected: yes. Study: VKGL Data-share Consensus. Not counted in ClinVar's aggregate classification.

NM_015629.4(PRPF31):c.527+9G>T

Gene: PRPF31 (pre-mRNA processing factor 31; plus strand). Cytogenetic location: 19q13.42.
Variant type: single nucleotide variant.
Coding change: c.527+9G>T on transcript NM_015629.4 (MANE Select); 9 bases into the intron after coding-DNA position 527, G replaced by T.
Molecular consequence: intron variant.
Genome position (GRCh38, 1-based): chr19:54,123,569, G>T. VCF-style: chr19-54123569-G-T. GRCh37 (hg19) VCF-style: chr19-54626948-G-T.
Identifiers: ClinVar variation 198220 (VCV000198220.23), dbSNP rs376994481, ClinGen allele CA246757.